The following is an entry in ClinVar:

ClinVar aggregate classification (germline): Likely pathogenic (1 of 4 stars; one submission).

Conditions:
Familial hemiplegic migraine. Identifiers: MedGen C0338484, MONDO:0000700.

Submission:

Labcorp Genetics (formerly Invitae), Labcorp
Classification: Likely pathogenic for Familial hemiplegic migraine. Last evaluated: 2022-07-30. Review status: criteria provided, single submitter. Criteria: Invitae Variant Classification Sherloc (09022015). Collection method: clinical testing. Allele origin: germline.
Comment: In summary, the currently available evidence indicates that the variant is pathogenic, but additional data are needed to prove that conclusively. Therefore, this variant has been classified as Likely Pathogenic. This variant disrupts the p.Gly301 amino acid residue in ATP1A2. Other variant(s) that disrupt this residue have been determined to be pathogenic (PMID: 15459825, 19372756, 21398422). This suggests that this residue is clinically significant, and that variants that disrupt this residue are likely to be disease-causing. Advanced modeling of protein sequence and biophysical properties (such as structural, functional, and spatial information, amino acid conservation, physicochemical variation, residue mobility, and thermodynamic stability) performed at Invitae indicates that this missense variant is expected to disrupt ATP1A2 protein function. This variant has not been reported in the literature in individuals affected with ATP1A2-related conditions. This variant is not present in population databases (gnomAD no frequency). This sequence change replaces glycine, which is neutral and non-polar, with glutamic acid, which is acidic and polar, at codon 301 of the ATP1A2 protein (p.Gly301Glu).

Literature cited by the submitters: PubMed 15459825; PubMed 19372756; PubMed 21398422.

NM_000702.4(ATP1A2):c.902G>A (p.Gly301Glu)

Gene: ATP1A2 (ATPase Na+/K+ transporting subunit alpha 2; plus strand). Cytogenetic location: 1q23.2.
Variant type: single nucleotide variant.
Coding change: c.902G>A on transcript NM_000702.4 (MANE Select); coding-DNA position 902, G replaced by A.
Protein change: p.Gly301Glu; replaces glycine 301 with glutamic acid.
Molecular consequence: missense variant.
Genome position (GRCh38, 1-based): chr1:160,127,705, G>A. VCF-style: chr1-160127705-G-A. GRCh37 (hg19) VCF-style: chr1-160097495-G-A.
Other names: short protein forms G301E.
Identifiers: ClinVar variation 2020422 (VCV002020422.4), dbSNP rs2524865450, ClinGen allele CA343238139.